The following is an entry in ClinVar:

ClinVar aggregate classification (germline): Benign. Review status: criteria provided, multiple submitters, no conflicts (2 of 4 stars). 2 submissions from 2 submitters: Benign (2). Last evaluated 2018-01-13.

Conditions:
Periventricular heterotopia with microcephaly, autosomal recessive (ARPHM). Also called: PERIVENTRICULAR NODULAR HETEROTOPIA 2; Periventricular heterotopia with microcephaly. Identifiers: Orphanet 2149, MedGen C1842563, MONDO:0011966, OMIM 608097.

Allele frequency attached by ClinVar (database versions not stated): gnomAD exomes 0.15269; 1000 Genomes Project 0.34625; 1000 Genomes Project 30x 0.34916; TOPMed 0.36197; gnomAD 0.36388.
gnomAD v4.1: 55,068 of 152,740 alleles (36%); highest among the groups gnomAD compares: African/African-American, 53%; 10,787 homozygotes.

Submissions (2):

Illumina Laboratory Services, Illumina
Classification: Benign for Periventricular heterotopia with microcephaly, autosomal recessive. Last evaluated: 2018-01-13. Review status: criteria provided, single submitter. Criteria: ICSL Variant Classification Criteria 13 December 2019. Collection method: clinical testing. Allele origin: germline.
Comment: This variant was observed in the ICSL laboratory as part of a predisposition screen in an ostensibly healthy population. It had not been previously curated by ICSL or reported in the Human Gene Mutation Database (HGMD: prior to June 1st, 2018), and was therefore a candidate for classification through an automated scoring system. Utilizing variant allele frequency, disease prevalence and penetrance estimates, and inheritance mode, an automated score was calculated to assess if this variant is too frequent to cause the disease. Based on the score and internal cut-off values, a variant classified as benign is not then subjected to further curation. The score for this variant resulted in a classification of benign for this disease.

Breakthrough Genomics
Classification: Benign. Review status: criteria provided, single submitter. Criteria: ACMG Guidelines, 2015. Collection method: not provided. Allele origin: germline. Inheritance: Autosomal recessive inheritance. Affected: yes.

NM_006420.3(ARFGEF2):c.*2518A>G

Gene: ARFGEF2 (ARF guanine nucleotide exchange factor 2; plus strand). Cytogenetic location: 20q13.13.
Variant type: single nucleotide variant.
Coding change: c.*2518A>G on transcript NM_006420.3 (MANE Select); 2518 bases downstream of the stop codon, A replaced by G.
Molecular consequence: 3 prime UTR variant.
Genome position (GRCh38, 1-based): chr20:49,035,717, A>G. VCF-style: chr20-49035717-A-G. GRCh37 (hg19) VCF-style: chr20-47652254-A-G.
Identifiers: ClinVar variation 338736 (VCV000338736.6), dbSNP rs707533, ClinGen allele CA10649859.